The following is an entry in ClinVar:

NM_177438.3(DICER1):c.2122C>G (p.Leu708Val)

Gene: DICER1 (dicer 1, ribonuclease III; minus strand). Cytogenetic location: 14q32.13.
Variant type: single nucleotide variant.
Coding change: c.2122C>G on transcript NM_177438.3 (MANE Select); coding-DNA position 2122, C replaced by G.
Protein change: p.Leu708Val; replaces leucine 708 with valine.
Molecular consequence: missense variant. On other transcripts: non-coding transcript variant (6).
Genome position (GRCh38, 1-based): chr14:95,111,451, G>C on the plus strand (C>G on the coding strand, the complement: DICER1 is on the minus strand). VCF-style: chr14-95111451-G-C. GRCh37 (hg19) VCF-style: chr14-95577788-G-C.
Other names: c.2122C>G, p.Leu708Val (NM_001195573.1, NM_001271282.3, NM_001291628.2 and 12 more transcripts); c.1840C>G, p.Leu614Val (NM_001395686.1); c.1717C>G, p.Leu573Val (NM_001395687.1, NM_001395688.1, NM_001395689.1 and 3 more transcripts); c.1555C>G, p.Leu519Val (NM_001395691.1); c.439C>G, p.Leu147Val (NM_001395697.1); short protein forms L573V, L614V, L708V, L147V, L519V.
Identifiers: ClinVar variation 3690900 (VCV003690900.2).

ClinVar aggregate classification (germline): Uncertain significance (1 of 4 stars; one submission).

Conditions:
DICER1-related tumor predisposition. Also called: DICER1-related pleuropulmonary blastoma cancer predisposition syndrome; DICER1 syndrome. Identifiers: Orphanet 284343, MedGen C3839822, MONDO:0100216.

Submission:

Labcorp Genetics (formerly Invitae), Labcorp
Classification: Uncertain significance for DICER1-related tumor predisposition. Last evaluated: 2024-10-22. Review status: criteria provided, single submitter. Criteria: Invitae Variant Classification Sherloc (09022015). Collection method: clinical testing. Allele origin: germline.
Comment: This sequence change replaces leucine, which is neutral and non-polar, with valine, which is neutral and non-polar, at codon 708 of the DICER1 protein (p.Leu708Val). This variant is not present in population databases (gnomAD no frequency). This variant has not been reported in the literature in individuals affected with DICER1-related conditions. Invitae Evidence Modeling of protein sequence and biophysical properties (such as structural, functional, and spatial information, amino acid conservation, physicochemical variation, residue mobility, and thermodynamic stability) indicates that this missense variant is expected to disrupt DICER1 protein function with a positive predictive value of 95%. In summary, the available evidence is currently insufficient to determine the role of this variant in disease. Therefore, it has been classified as a Variant of Uncertain Significance.